The following is an entry in ClinVar:

ClinVar aggregate classification (germline): Likely pathogenic (1 of 4 stars; one submission).

Conditions:
Pendred syndrome (PDS). Also called: Pendred Syndrome (PDS); GOITER-DEAFNESS SYNDROME; HYPOTHYROIDISM, CONGENITAL, DUE TO DYSHORMONOGENESIS, 2B; Pendred's syndrome; DEAFNESS WITH GOITER; THYROID DYSHORMONOGENESIS 2B. Identifiers: Orphanet 705, MedGen C0271829, MONDO:0010134, OMIM 274600.

Submission:

Myriad Genetics, Inc.
Classification: Likely pathogenic for Pendred syndrome. Last evaluated: 2022-03-30. Review status: criteria provided, single submitter. Criteria: Myriad Women's Health Autosomal Recessive and X-Linked Classification Criteria (2021). Collection method: clinical testing. Allele origin: unknown.
Comment: NM_000441.1(SLC26A4):c.555_556delAG(R185Sfs*74) is expected to be pathogenic in the context of Pendred syndrome. This variant is predicted to lead to an abnormal or absent protein product due to the creation of a premature termination codon in SLC26A4, a gene where loss-of-function variants are known to be pathogenic. Please note: this variant was assessed in the context of healthy population screening.

NM_000441.2(SLC26A4):c.555_556del (p.Arg185fs)

Gene: SLC26A4 (solute carrier family 26 member 4; plus strand). Cytogenetic location: 7q22.3.
Variant type: Microsatellite.
Coding change: c.555_556del on transcript NM_000441.2 (MANE Select); coding-DNA positions 555 to 556, 2 bases deleted (AG; older notation c.555_556delAG).
Protein change: p.Arg185fs; shifts the reading frame from arginine 185.
Molecular consequence: frameshift variant.
Genome position (GRCh38, 1-based): chr7:107,674,303-107,674,304, AG deleted; deleting any 2 consecutive bases within chr7:107,674,301-107,674,304 gives the same sequence; the c. name uses the placement nearest the transcript's 3' end. VCF-style (leftmost placement, unchanged base first): chr7-107674300-TAG-T. GRCh37 (hg19) VCF-style: chr7-107314745-TAG-T.
Other names: short protein forms R185fs.
Identifiers: ClinVar variation 1725664 (VCV001725664.2), dbSNP rs2535296518, ClinGen allele CA2580617073.